The following is an entry in ClinVar:

NM_024675.4(PALB2):c.3314T>C (p.Val1105Ala)

Gene: PALB2 (partner and localizer of BRCA2; minus strand). Cytogenetic location: 16p12.2.
Variant type: single nucleotide variant.
Coding change: c.3314T>C on transcript NM_024675.4 (MANE Select); coding-DNA position 3314, T replaced by C.
Protein change: p.Val1105Ala; replaces valine 1105 with alanine.
Molecular consequence: missense variant.
Genome position (GRCh38, 1-based): chr16:23,607,900, A>G on the plus strand (T>C on the coding strand, the complement: PALB2 is on the minus strand). VCF-style: chr16-23607900-A-G. GRCh37 (hg19) VCF-style: chr16-23619221-A-G.
Other names: short protein forms V1105A.
Identifiers: ClinVar variation 1521309 (VCV001521309.9), dbSNP rs2142271779, ClinGen allele CA395139432.

ClinVar aggregate classification (germline): Uncertain significance (1 of 4 stars; one submission).

Conditions:
Familial cancer of breast. Also called: hereditary breast carcinoma; BREAST CANCER, FAMILIAL; Hereditary breast cancer. Identifiers: Orphanet 227535, MedGen C0346153, MONDO:0016419, OMIM 114480. Disease mechanism: loss of function.

Submission:

Labcorp Genetics (formerly Invitae), Labcorp
Classification: Uncertain significance for Familial cancer of breast. Last evaluated: 2021-03-30. Review status: criteria provided, single submitter. Criteria: Invitae Variant Classification Sherloc (09022015). Collection method: clinical testing. Allele origin: germline.
Comment: In summary, the available evidence is currently insufficient to determine the role of this variant in disease. Therefore, it has been classified as a Variant of Uncertain Significance. Experimental studies have shown that this variant does not substantially affect PALB2 protein function (PMID: 31586400). This variant has been observed in individual(s) with a personal and/or family history of breast and ovarian cancer (PMID: 21618343). This variant is not present in population databases (ExAC no frequency). This sequence change replaces valine with alanine at codon 1105 of the PALB2 protein (p.Val1105Ala). The valine residue is highly conserved and there is a small physicochemical difference between valine and alanine.

Literature cited by the submitters: PubMed 31586400; PubMed 21618343.